The following is an entry in ClinVar:

ClinVar aggregate classification (germline): Pathogenic/Likely pathogenic. Review status: criteria provided, multiple submitters, no conflicts (2 of 4 stars). 2 submissions from 2 submitters: Pathogenic (1); Likely pathogenic (1). Last evaluated 2022-05-05.

Conditions:
Sandhoff disease. Also called: GM2-GANGLIOSIDOSIS, TYPE II; HEXOSAMINIDASES A AND B DEFICIENCY; Beta-hexosaminidase-beta-subunit deficiency; GM2 gangliosidosis, type 2; Total hexosaminidase deficiency; Sandhoff-Jatzkewitz-Pilz disease. Identifiers: Orphanet 796, MedGen C0036161, MONDO:0010006, OMIM 268800.

Allele frequency attached by ClinVar (database versions not stated): gnomAD exomes below 0.00001.

Submissions (2):

Myriad Genetics, Inc.
Classification: Likely pathogenic for Sandhoff disease. Last evaluated: 2022-05-05. Review status: criteria provided, single submitter. Criteria: Myriad Women's Health Autosomal Recessive and X-Linked Classification Criteria (2021). Collection method: clinical testing. Allele origin: unknown.
Comment: NM_000521.3(HEXB):c.341_342delAA(E114Afs*3) is expected to be pathogenic in the context of Sandhoff disease. This variant is predicted to lead to an abnormal or absent protein product due to the creation of a premature termination codon in HEXB, a gene where loss-of-function variants are known to be pathogenic. Please note: this variant was assessed in the context of healthy population screening.

Labcorp Genetics (formerly Invitae), Labcorp
Classification: Pathogenic for Sandhoff disease. Last evaluated: 2022-04-01. Review status: criteria provided, single submitter. Criteria: Invitae Variant Classification Sherloc (09022015). Collection method: clinical testing. Allele origin: germline.
Comment: For these reasons, this variant has been classified as Pathogenic. This variant has not been reported in the literature in individuals affected with HEXB-related conditions. This variant is not present in population databases (gnomAD no frequency). This sequence change creates a premature translational stop signal (p.Glu114Alafs*3) in the HEXB gene. It is expected to result in an absent or disrupted protein product. Loss-of-function variants in HEXB are known to be pathogenic (PMID: 7550345, 18758829).

Literature cited by the submitters: PubMed 7550345 (cited by Labcorp Genetics (formerly Invitae), Labcorp); PubMed 18758829 (cited by Labcorp Genetics (formerly Invitae), Labcorp).

NM_000521.4(HEXB):c.341_342del (p.Glu114fs)

Gene: HEXB (hexosaminidase subunit beta; plus strand). Cytogenetic location: 5q13.3.
Variant type: Deletion.
Coding change: c.341_342del on transcript NM_000521.4 (MANE Select); coding-DNA positions 341 to 342, 2 bases deleted (AA; older notation c.341_342delAA).
Protein change: p.Glu114fs; shifts the reading frame from glutamic acid 114.
Molecular consequence: frameshift variant. On other transcripts: 5 prime UTR variant (1).
Genome position (GRCh38, 1-based): chr5:74,689,369-74,689,370, AA deleted. VCF-style (leftmost placement, unchanged base first): chr5-74689368-GAA-G. GRCh37 (hg19) VCF-style: chr5-73985193-GAA-G.
Other names: c.-335_-334del (NM_001292004.2); short protein forms E114fs.
Identifiers: ClinVar variation 1726024 (VCV001726024.7), dbSNP rs2478695232, ClinGen allele CA2580073419.
Genomic context (GRCh38, chr5:74,689,368, plus strand): 5'-TACATTTATTTCTCAAACAGATATCATGGCTATATTTTTGGTTTCTACAAGTGGCATCAT[GAA>G]CCTGCTGAATTCCAGGCTAAAACCCAGGTTCAGCAACTTCTTGTCTCAATCACCCTTCAG-3'